The following is an entry in ClinVar:

NM_000038.6(APC):c.6322G>A (p.Ala2108Thr)

Gene: APC (APC regulator of Wnt signaling pathway; plus strand). Cytogenetic location: 5q22.2.
Variant type: single nucleotide variant.
Coding change: c.6322G>A on transcript NM_000038.6 (MANE Select); coding-DNA position 6322, G replaced by A.
Protein change: p.Ala2108Thr; replaces alanine 2108 with threonine.
Molecular consequence: missense variant.
Genome position (GRCh38, 1-based): chr5:112,841,916, G>A. VCF-style: chr5-112841916-G-A. GRCh37 (hg19) VCF-style: chr5-112177613-G-A.
Other names: c.6322G>A, p.Ala2108Thr (NM_001127510.3, NM_001354895.2); c.6268G>A, p.Ala2090Thr (NM_001127511.3); c.6376G>A, p.Ala2126Thr (NM_001354896.2); c.6352G>A, p.Ala2118Thr (NM_001354897.2); c.6247G>A, p.Ala2083Thr (NM_001354898.2); c.6238G>A, p.Ala2080Thr (NM_001354899.2); c.6199G>A, p.Ala2067Thr (NM_001354900.2); c.6145G>A, p.Ala2049Thr (NM_001354901.2); and 5 more; short protein forms A2090T, A2108T, A1825T, A2007T, A2126T, A2067T, A1948T, A2017T.
Identifiers: ClinVar variation 233435 (VCV000233435.10), dbSNP rs876660406, ClinGen allele CA10578426.

ClinVar aggregate classification (germline): Uncertain significance. Review status: criteria provided, multiple submitters, no conflicts (2 of 4 stars). 3 submissions from 3 submitters: Uncertain significance (3). Last evaluated 2026-02-14.

Conditions:
Hereditary cancer-predisposing syndrome. Also called: Neoplastic Syndromes, Hereditary; Tumor predisposition; Hereditary Cancer Syndrome; Hereditary neoplastic syndrome. Identifiers: Orphanet 140162, MedGen C0027672, MeSH D009386, MONDO:0015356.
Familial adenomatous polyposis 1 (FAP1). Also called: FAMILIAL ADENOMATOUS POLYPOSIS 1, ATTENUATED; POLYPOSIS, ADENOMATOUS INTESTINAL. Identifiers: MedGen C2713442, MONDO:0021056, OMIM 175100. Disease mechanism: loss of function.

Allele frequency attached by ClinVar (database versions not stated): gnomAD exomes below 0.00001.
gnomAD v4.1: 2 of 1,613,892 alleles (0.00012%); highest among the groups gnomAD compares: Non-Finnish European, 0.00017%; no homozygotes.

Submissions (3):

GeneDx
Classification: Uncertain significance. Last evaluated: 2026-02-14. Review status: criteria provided, single submitter. Criteria: GeneDx Variant Classification Process June 2021. Collection method: clinical testing. Allele origin: germline.
Comment: Not observed at significant frequency in large population cohorts (gnomAD); In silico analysis supports that this missense variant has a deleterious effect on protein structure/function; Has not been previously published as pathogenic or benign to our knowledge

Labcorp Genetics (formerly Invitae), Labcorp
Classification: Uncertain significance for Familial adenomatous polyposis 1. Last evaluated: 2025-08-05. Review status: criteria provided, single submitter. Criteria: Invitae Variant Classification Sherloc (09022015). Collection method: clinical testing. Allele origin: germline.
Comment: This sequence change replaces alanine, which is neutral and non-polar, with threonine, which is neutral and polar, at codon 2108 of the APC protein (p.Ala2108Thr). This variant is not present in population databases (gnomAD no frequency). This variant has not been reported in the literature in individuals affected with APC-related conditions. ClinVar contains an entry for this variant (Variation ID: 233435). Invitae Evidence Modeling of protein sequence and biophysical properties (such as structural, functional, and spatial information, amino acid conservation, physicochemical variation, residue mobility, and thermodynamic stability) indicates that this missense variant is not expected to disrupt APC protein function with a negative predictive value of 95%. In summary, the available evidence is currently insufficient to determine the role of this variant in disease. Therefore, it has been classified as a Variant of Uncertain Significance.

Ambry Genetics
Classification: Uncertain significance for Hereditary cancer-predisposing syndrome. Last evaluated: 2025-02-07. Review status: criteria provided, single submitter. Criteria: Ambry Variant Classification Scheme 2023. Collection method: clinical testing. Allele origin: germline.
Comment: The p.A2108T variant (also known as c.6322G>A), located in coding exon 15 of the APC gene, results from a G to A substitution at nucleotide position 6322. The alanine at codon 2108 is replaced by threonine, an amino acid with similar properties. This amino acid position is highly conserved in available vertebrate species. In addition, in silico predictors for this gene do not accurately predict pathogenicity. Missense alterations in APC are not a common cause of disease (Spier I et al. Genet Med. 2024 Feb;26(2):100992). Based on the available evidence, the clinical significance of this variant remains unclear.